The following is an entry in ClinVar:

ClinVar aggregate classification (germline): Likely benign. Review status: criteria provided, single submitter (1 of 4 stars). 2 submissions from 2 submitters: Likely benign (1). 1 of the submissions does not count toward it. Last evaluated 2022-10-01.

Conditions:
Maple syrup urine disease (MSUD). Identifiers: Orphanet 511, MedGen C0024776, MeSH D008375, MONDO:0009563. Disease mechanism: loss of function.
DBT-related disorder. Also called: DBT-related condition.

Allele frequency attached by ClinVar (database versions not stated): gnomAD 0.00001; TOPMed 0.00001.
gnomAD v4.1: 2 of 1,577,302 alleles (0.00013%); highest among the groups gnomAD compares: African/African-American, 0.0027%; no homozygotes.

Submissions (2):

Labcorp Genetics (formerly Invitae), Labcorp
Classification: Likely benign for Maple syrup urine disease. Last evaluated: 2022-10-01. Review status: criteria provided, single submitter. Criteria: Invitae Variant Classification Sherloc (09022015). Collection method: clinical testing. Allele origin: germline.

PreventionGenetics, part of Exact Sciences
Classification: Likely benign for DBT-related condition. Last evaluated: 2019-07-12. Review status: no assertion criteria provided. Collection method: clinical testing. Allele origin: germline. Not counted in ClinVar's aggregate classification.
Comment: This variant is classified as likely benign based on ACMG/AMP sequence variant interpretation guidelines (Richards et al. 2015 PMID: 25741868, with internal and published modifications).

NM_001918.5(DBT):c.231A>G (p.Arg77=)

Gene: DBT (dihydrolipoamide branched chain transacylase E2; minus strand). Cytogenetic location: 1p21.2.
Variant type: single nucleotide variant.
Coding change: c.231A>G on transcript NM_001918.5 (MANE Select); coding-DNA position 231, A replaced by G.
Protein change: p.Arg77=; no amino-acid change (arginine 77 retained).
Molecular consequence: synonymous variant.
Genome position (GRCh38, 1-based): chr1:100,235,456, T>C on the plus strand (A>G on the coding strand, the complement: DBT is on the minus strand). VCF-style: chr1-100235456-T-C. GRCh37 (hg19) VCF-style: chr1-100701012-T-C.
Other names: c.231A>G (NM_001918.3).
Identifiers: ClinVar variation 1615001 (VCV001615001.10), dbSNP rs1028461413, ClinGen allele CA27598553.
Genomic context (GRCh38, chr1:100,235,456, plus strand): 5'-TTTTTAAATTTACTTAAGAGCTTTTTTCAGATTCACTTACCATTCTTTAACAGTTACTTC[T>C]CTAATCCCTTCTCCAATGTCTGAGAGCTTGAACTGAACAACCTGTCCACGGAGAGCTTCA-3'
Protein context (NP_001909.4, residues 67-87): FKLSDIGEGI[Arg77=]EVTVKEWYVK